The following is an entry in ClinVar:

NM_002485.5(NBN):c.751T>G (p.Leu251Val)

Gene: NBN (nibrin; minus strand). Cytogenetic location: 8q21.3.
Variant type: single nucleotide variant.
Coding change: c.751T>G on transcript NM_002485.5 (MANE Select); coding-DNA position 751, T replaced by G.
Protein change: p.Leu251Val; replaces leucine 251 with valine.
Molecular consequence: missense variant.
Genome position (GRCh38, 1-based): chr8:89,970,509, A>C on the plus strand (T>G on the coding strand, the complement: NBN is on the minus strand). VCF-style: chr8-89970509-A-C. GRCh37 (hg19) VCF-style: chr8-90982737-A-C.
Other names: c.505T>G, p.Leu169Val (NM_001024688.3); short protein forms L169V, L251V.
Identifiers: ClinVar variation 2452408 (VCV002452408.2), dbSNP rs1811463703, ClinGen allele CA371658776.
Genomic context (GRCh38, chr8:89,970,509, plus strand): 5'-CAACACACGTTCCCGGAGCCAAAAAGAAATTATGTTCTTCTTCATTCTCTTCTGTTATCA[A>C]CCTAGCTTCCCCACCTCCAAAGACAACTGCGGAACTCAATTTCTTATGCTAAAAATGGAA-3'
Protein context (NP_002476.2, residues 241-261): AVVFGGGEAR[Leu251Val]ITEENEEEHN

ClinVar aggregate classification (germline): Uncertain significance (1 of 4 stars; one submission).

Conditions:
Hereditary cancer-predisposing syndrome. Also called: Neoplastic Syndromes, Hereditary; Tumor predisposition; Hereditary neoplastic syndrome; Hereditary Cancer Syndrome. Identifiers: Orphanet 140162, MedGen C0027672, MeSH D009386, MONDO:0015356.

Submission:

Ambry Genetics
Classification: Uncertain significance for Hereditary cancer-predisposing syndrome. Last evaluated: 2023-02-24. Review status: criteria provided, single submitter. Criteria: Ambry Variant Classification Scheme 2023. Collection method: clinical testing. Allele origin: germline.
Comment: The p.L251V variant (also known as c.751T>G), located in coding exon 7 of the NBN gene, results from a T to G substitution at nucleotide position 751. The leucine at codon 251 is replaced by valine, an amino acid with highly similar properties. This amino acid position is conserved. In addition, this alteration is predicted to be tolerated by in silico analysis. Since supporting evidence is limited at this time, the clinical significance of this alteration remains unclear.